The following is an entry in ClinVar:

NM_001365999.1(SZT2):c.4419C>T (p.Asp1473=)

Gene: SZT2 (SZT2 subunit of KICSTOR complex; plus strand). Cytogenetic location: 1p34.2.
Variant type: single nucleotide variant.
Coding change: c.4419C>T on transcript NM_001365999.1 (MANE Select); coding-DNA position 4419, C replaced by T.
Protein change: p.Asp1473=; no amino-acid change (aspartic acid 1473 retained).
Molecular consequence: synonymous variant.
Genome position (GRCh38, 1-based): chr1:43,430,328, C>T. VCF-style: chr1-43430328-C-T. GRCh37 (hg19) VCF-style: chr1-43895999-C-T.
Other names: c.4248C>T, p.Asp1416= (NM_015284.4).
Identifiers: ClinVar variation 697135 (VCV000697135.45), dbSNP rs377200944, ClinGen allele CA809292.
Genomic context (GRCh38, chr1:43,430,328, plus strand): 5'-GTGGGATTCTTGCCTCATCATCTTGCTTCATTCTTTTGCCTAGGATGAGGGGCCTCGGGA[C>T]ACAGTAGACAGAAAAATCAGTGACCTGGAGTTTTCAGAGGCTGAGCTTATGGGAGAAGAA-3'
Protein context (NP_001352928.1, residues 1463-1483): SSRREDEGPR[Asp1473=]TVDRKISDLE

ClinVar aggregate classification (germline): Likely benign. Review status: criteria provided, multiple submitters, no conflicts (2 of 4 stars). 5 submissions from 5 submitters: Likely benign (5). Last evaluated 2025-09-17.

Conditions:
Developmental and epileptic encephalopathy, 18 (DEE18). Also called: Early infantile epileptic encephalopathy 18. Identifiers: Orphanet 369894, MedGen C3809624, MONDO:0014201, OMIM 615476.

Allele frequency attached by ClinVar (database versions not stated): gnomAD 0.00003; gnomAD exomes 0.00009; TOPMed 0.00010; ExAC 0.00011; ESP Exome Variant Server 0.00015.
gnomAD v4.1: 149 of 1,612,270 alleles (0.0092%); highest among the groups gnomAD compares: Middle Eastern, 0.033%; no homozygotes.

Submissions (5):

Labcorp Genetics (formerly Invitae), Labcorp
Classification: Likely benign. Last evaluated: 2025-09-17. Review status: criteria provided, single submitter. Criteria: Invitae Variant Classification Sherloc (09022015). Collection method: clinical testing. Allele origin: germline.

Blueprint Genetics
Classification: Likely benign. Last evaluated: 2024-07-22. Review status: criteria provided, single submitter. Criteria: ACMG Guidelines, 2015. Collection method: clinical testing. Allele origin: germline.

CeGaT Center for Human Genetics Tuebingen
Classification: Likely benign. Last evaluated: 2024-02-01. Review status: criteria provided, single submitter. Criteria: CeGaT Center For Human Genetics Tuebingen Variant Classification Criteria Version 2. Collection method: clinical testing. Allele origin: germline. Affected: yes. Observed: 3 variant alleles.
Comment: SZT2: BP4, BP7

Genome-Nilou Lab
Classification: Likely benign for Developmental and epileptic encephalopathy, 18. Last evaluated: 2023-04-11. Review status: criteria provided, single submitter. Criteria: ACMG Guidelines, 2015. Collection method: clinical testing. Allele origin: germline. Affected: no.

Breakthrough Genomics
Classification: Likely benign. Review status: criteria provided, single submitter. Criteria: ACMG Guidelines, 2015. Collection method: not provided. Allele origin: germline. Inheritance: Autosomal recessive inheritance. Affected: yes.